The following is an entry in ClinVar:

ClinVar aggregate classification (germline): Uncertain significance (1 of 4 stars; one submission).

Conditions:
Jeune thoracic dystrophy. Also called: Jeune syndrome; Infantile thoracic dystrophy; Thoracic pelvic phalangeal dystrophy; Jeune's syndrome; Chondroectodermal dysplasia-like syndrome; Short-rib thoracic dysplasia. Identifiers: Orphanet 474, MedGen C0265275, MONDO:0018770.
Nephronophthisis. Also called: Juvenile Nephronophthisis. Identifiers: Orphanet 655, MedGen C0687120, MONDO:0019005, HP:0000090.

Allele frequency attached by ClinVar (database versions not stated): gnomAD exomes below 0.00001; TOPMed below 0.00001; gnomAD 0.00001.
gnomAD v4.1: 2 of 1,613,368 alleles (0.00012%); highest among the groups gnomAD compares: African/African-American, 0.0027%; no homozygotes.

Submission:

Labcorp Genetics (formerly Invitae), Labcorp
Classification: Uncertain significance for Jeune thoracic dystrophy; Nephronophthisis. Last evaluated: 2022-10-17. Review status: criteria provided, single submitter. Criteria: Invitae Variant Classification Sherloc (09022015). Collection method: clinical testing. Allele origin: germline.
Comment: This variant is not present in population databases (gnomAD no frequency). In summary, the available evidence is currently insufficient to determine the role of this variant in disease. Therefore, it has been classified as a Variant of Uncertain Significance. Advanced modeling of protein sequence and biophysical properties (such as structural, functional, and spatial information, amino acid conservation, physicochemical variation, residue mobility, and thermodynamic stability) performed at Invitae indicates that this missense variant is not expected to disrupt TTC21B protein function. ClinVar contains an entry for this variant (Variation ID: 1444878). This variant has not been reported in the literature in individuals affected with TTC21B-related conditions. This sequence change replaces lysine, which is basic and polar, with threonine, which is neutral and polar, at codon 341 of the TTC21B protein (p.Lys341Thr).

NM_024753.5(TTC21B):c.1022A>C (p.Lys341Thr)

Gene: TTC21B (tetratricopeptide repeat domain 21B; minus strand). Cytogenetic location: 2q24.3.
Variant type: single nucleotide variant.
Coding change: c.1022A>C on transcript NM_024753.5 (MANE Select); coding-DNA position 1022, A replaced by C.
Protein change: p.Lys341Thr; replaces lysine 341 with threonine.
Molecular consequence: missense variant.
Genome position (GRCh38, 1-based): chr2:165,930,237, T>G on the plus strand (A>C on the coding strand, the complement: TTC21B is on the minus strand). VCF-style: chr2-165930237-T-G. GRCh37 (hg19) VCF-style: chr2-166786747-T-G.
Other names: short protein forms K341T.
Identifiers: ClinVar variation 1444878 (VCV001444878.8), dbSNP rs1686837269, ClinGen allele CA349066695.